The following is an entry in ClinVar:

NM_013382.7(POMT2):c.1485-3C>T

Gene: POMT2 (protein O-mannosyltransferase 2; minus strand). Cytogenetic location: 14q24.3.
Variant type: single nucleotide variant.
Coding change: c.1485-3C>T on transcript NM_013382.7 (MANE Select); 3 bases into the intron before coding-DNA position 1485, C replaced by T.
Molecular consequence: intron variant.
Genome position (GRCh38, 1-based): chr14:77,285,044, G>A on the plus strand (C>T on the coding strand, the complement: POMT2 is on the minus strand). VCF-style: chr14-77285044-G-A. GRCh37 (hg19) VCF-style: chr14-77751387-G-A.
Identifiers: ClinVar variation 500535 (VCV000500535.14), dbSNP rs754892193, ClinGen allele CA7285831.
Genomic context (GRCh38, chr14:77,285,044, plus strand): 5'-GGAGTTGAGGGTTTCTTTCAGGTATGGGGTGCAAGTAACTTCCAACTGCTCCCAGCCCCT[G>A]TGAAAAGCAGAAGTCACAGATGTCTCTCAGAAGACGTGAAATCCACCAGAGAGTGACACT-3'

ClinVar aggregate classification (germline): Uncertain significance. Review status: criteria provided, multiple submitters, no conflicts (2 of 4 stars). 4 submissions from 4 submitters: Uncertain significance (4). Last evaluated 2022-04-09.

Conditions:
Muscular dystrophy-dystroglycanopathy (congenital with brain and eye anomalies), type A2. Also called: MUSCULAR DYSTROPHY-DYSTROGLYCANOPATHY (CONGENITAL WITH BRAIN AND EYE ANOMALIES), TYPE A, 2; WALKER-WARBURG SYNDROME OR MUSCLE-EYE-BRAIN DISEASE, POMT2-RELATED. Identifiers: Orphanet 588, Orphanet 899, MedGen C3150411, MONDO:0013154, OMIM 613150.
Muscular dystrophy-dystroglycanopathy (congenital with impaired intellectual development), type B, 2. Also called: Muscular dystrophy-dystroglycanopathy (congenital with intellectual disability), type B2; MUSCULAR DYSTROPHY, CONGENITAL, POMT2-RELATED. Identifiers: MedGen C3150416, MONDO:0013160, OMIM 613156.
Autosomal recessive limb-girdle muscular dystrophy type 2N. Also called: Muscular dystrophy-dystroglycanopathy (limb-girdle), type C, 2; MUSCULAR DYSTROPHY-DYSTROGLYCANOPATHY, LIMB-GIRDLE, POMT2-RELATED. Identifiers: Orphanet 206559, MedGen C3150418, MONDO:0013162, OMIM 613158.

Allele frequency attached by ClinVar (database versions not stated): gnomAD exomes 0.00001 and below 0.00001; TOPMed 0.00011; gnomAD 0.00006 and 0.00005; ExAC 0.00001.
gnomAD v4.1: 25 of 1,604,218 alleles (0.0016%); highest among the groups gnomAD compares: Admixed American, 0.015%; no homozygotes.

Submissions (4):

Labcorp Genetics (formerly Invitae), Labcorp
Classification: Uncertain significance for Muscular dystrophy-dystroglycanopathy (congenital with impaired intellectual development), type B, 2; Muscular dystrophy-dystroglycanopathy (congenital with brain and eye anomalies), type A2; Autosomal recessive limb-girdle muscular dystrophy type 2N. Last evaluated: 2022-04-09. Review status: criteria provided, single submitter. Criteria: Invitae Variant Classification Sherloc (09022015). Collection method: clinical testing. Allele origin: germline.
Comment: This sequence change falls in intron 13 of the POMT2 gene. It does not directly change the encoded amino acid sequence of the POMT2 protein. It affects a nucleotide within the consensus splice site. This variant is present in population databases (rs754892193, gnomAD no frequency). This variant has not been reported in the literature in individuals affected with POMT2-related conditions. ClinVar contains an entry for this variant (Variation ID: 500535). Variants that disrupt the consensus splice site are a relatively common cause of aberrant splicing (PMID: 17576681, 9536098). Algorithms developed to predict the effect of sequence changes on RNA splicing suggest that this variant is not likely to affect RNA splicing. In summary, the available evidence is currently insufficient to determine the role of this variant in disease. Therefore, it has been classified as a Variant of Uncertain Significance.

Revvity Omics, Revvity
Classification: Uncertain significance. Last evaluated: 2019-10-15. Review status: criteria provided, single submitter. Criteria: ACMG Guidelines, 2015. Collection method: clinical testing. Allele origin: germline.

Eurofins Ntd Llc (ga)
Classification: Uncertain significance. Last evaluated: 2018-08-10. Review status: criteria provided, single submitter. Criteria: EGL ClinVar v180209 classification definitions. Collection method: clinical testing. Allele origin: germline. Observed: 3 variant alleles, 3 heterozygotes.

Athena Diagnostics
Classification: Uncertain significance. Last evaluated: 2018-06-05. Review status: criteria provided, single submitter. Criteria: Athena Diagnostics Criteria. Collection method: clinical testing. Allele origin: germline.

Literature cited by the submitters: PubMed 17576681 (cited by Labcorp Genetics (formerly Invitae), Labcorp); PubMed 9536098 (cited by Labcorp Genetics (formerly Invitae), Labcorp).